The following is an entry in ClinVar:

NM_000094.4(COL7A1):c.8358G>A (p.Thr2786=)

Gene: COL7A1 (collagen type VII alpha 1 chain; minus strand). Cytogenetic location: 3p21.31.
Variant type: single nucleotide variant.
Coding change: c.8358G>A on transcript NM_000094.4 (MANE Select); coding-DNA position 8358, G replaced by A.
Protein change: p.Thr2786=; no amino-acid change (threonine 2786 retained).
Molecular consequence: synonymous variant.
Genome position (GRCh38, 1-based): chr3:48,566,510, C>T on the plus strand (G>A on the coding strand, the complement: COL7A1 is on the minus strand). VCF-style: chr3-48566510-C-T. GRCh37 (hg19) VCF-style: chr3-48603943-C-T.
Identifiers: ClinVar variation 1905567 (VCV001905567.3), dbSNP rs746302492, ClinGen allele CA2378061.

ClinVar aggregate classification (germline): Uncertain significance (1 of 4 stars; one submission).

Allele frequency attached by ClinVar (database versions not stated): gnomAD 0.00001; gnomAD exomes 0.00001; ExAC 0.00002.
gnomAD v4.1: 9 of 1,613,952 alleles (0.00056%); highest among the groups gnomAD compares: Admixed American, 0.0033%; no homozygotes.

Submission:

Labcorp Genetics (formerly Invitae), Labcorp
Classification: Uncertain significance. Last evaluated: 2025-10-13. Review status: criteria provided, single submitter. Criteria: Invitae Variant Classification Sherloc (09022015). Collection method: clinical testing. Allele origin: germline.
Comment: This sequence change affects codon 2786 of the COL7A1 mRNA. It is a 'silent' change, meaning that it does not change the encoded amino acid sequence of the COL7A1 protein. This variant also falls at the last nucleotide of exon 112, which is part of the consensus splice site for this exon. This variant is present in population databases (rs746302492, gnomAD 0.006%). This variant has not been reported in the literature in individuals affected with COL7A1-related conditions. ClinVar contains an entry for this variant (Variation ID: 1905567). Variants that disrupt the consensus splice site are a relatively common cause of aberrant splicing (PMID: 17576681, 9536098). Algorithms developed to predict the effect of sequence changes on RNA splicing suggest that this variant is not likely to affect RNA splicing. In summary, the available evidence is currently insufficient to determine the role of this variant in disease. Therefore, it has been classified as a Variant of Uncertain Significance.

Literature cited by the submitters: PubMed 17576681; PubMed 9536098.